The following is an entry in ClinVar:

NM_004260.4(RECQL4):c.3094G>A (p.Glu1032Lys)

Gene: RECQL4 (RecQ like helicase 4; minus strand). Cytogenetic location: 8q24.3.
Variant type: single nucleotide variant.
Coding change: c.3094G>A on transcript NM_004260.4 (MANE Select); coding-DNA position 3094, G replaced by A.
Protein change: p.Glu1032Lys; replaces glutamic acid 1032 with lysine.
Molecular consequence: missense variant.
Genome position (GRCh38, 1-based): chr8:144,512,286, C>T on the plus strand (G>A on the coding strand, the complement: RECQL4 is on the minus strand). VCF-style: chr8-144512286-C-T. GRCh37 (hg19) VCF-style: chr8-145737669-C-T.
Other names: short protein forms E1032K.
Identifiers: ClinVar variation 966864 (VCV000966864.6), dbSNP rs1249753953, ClinGen allele CA372670695.

ClinVar aggregate classification (germline): Uncertain significance (1 of 4 stars; one submission).

Conditions:
Baller-Gerold syndrome (BGS). Also called: CRANIOSYNOSTOSIS WITH RADIAL DEFECTS. Identifiers: Orphanet 1225, MedGen C0265308, MONDO:0009039, OMIM 218600.

Allele frequency attached by ClinVar (database versions not stated): TOPMed 0.00001.

Submission:

Labcorp Genetics (formerly Invitae), Labcorp
Classification: Uncertain significance for Baller-Gerold syndrome. Last evaluated: 2025-06-11. Review status: criteria provided, single submitter. Criteria: Invitae Variant Classification Sherloc (09022015). Collection method: clinical testing. Allele origin: germline.
Comment: This sequence change replaces glutamic acid, which is acidic and polar, with lysine, which is basic and polar, at codon 1032 of the RECQL4 protein (p.Glu1032Lys). This variant is not present in population databases (gnomAD no frequency). This variant has not been reported in the literature in individuals affected with RECQL4-related conditions. ClinVar contains an entry for this variant (Variation ID: 966864). Invitae Evidence Modeling of protein sequence and biophysical properties (such as structural, functional, and spatial information, amino acid conservation, physicochemical variation, residue mobility, and thermodynamic stability) indicates that this missense variant is not expected to disrupt RECQL4 protein function with a negative predictive value of 80%. In summary, the available evidence is currently insufficient to determine the role of this variant in disease. Therefore, it has been classified as a Variant of Uncertain Significance.